The following is an entry in ClinVar:

ClinVar aggregate classification (germline): Likely benign. Review status: criteria provided, multiple submitters, no conflicts (2 of 4 stars). 3 submissions from 3 submitters: Likely benign (3). Last evaluated 2025-05-05.

Conditions:
Hereditary cancer-predisposing syndrome. Also called: Hereditary Cancer Syndrome; Hereditary neoplastic syndrome; Neoplastic Syndromes, Hereditary; Tumor predisposition. Identifiers: Orphanet 140162, MedGen C0027672, MeSH D009386, MONDO:0015356.

Allele frequency attached by ClinVar (database versions not stated): TOPMed below 0.00001; gnomAD 0.00001; gnomAD exomes 0.00004.
gnomAD v4.1: 54 of 1,614,096 alleles (0.0033%); highest among the groups gnomAD compares: Non-Finnish European, 0.0044%; no homozygotes.

Submissions (3):

Labcorp Genetics (formerly Invitae), Labcorp
Classification: Likely benign. Last evaluated: 2025-05-05. Review status: criteria provided, single submitter. Criteria: Invitae Variant Classification Sherloc (09022015). Collection method: clinical testing. Allele origin: germline.

GeneDx
Classification: Likely benign. Last evaluated: 2018-02-14. Review status: criteria provided, single submitter. Criteria: GeneDx Variant Classification (06012015). Collection method: clinical testing. Allele origin: germline. Affected: yes.
Comment: This variant is considered likely benign or benign based on one or more of the following criteria: it is a conservative change, it occurs at a poorly conserved position in the protein, it is predicted to be benign by multiple in silico algorithms, and/or has population frequency not consistent with disease.

Ambry Genetics
Classification: Likely benign for Hereditary cancer-predisposing syndrome. Last evaluated: 2017-09-14. Review status: criteria provided, single submitter. Criteria: Ambry Variant Classification Scheme 2023. Collection method: clinical testing. Allele origin: germline.

NM_005431.2(XRCC2):c.456A>C (p.Ser152=)

Gene: XRCC2 (X-ray repair cross complementing 2; minus strand). Cytogenetic location: 7q36.1.
Variant type: single nucleotide variant.
Coding change: c.456A>C on transcript NM_005431.2 (MANE Select); coding-DNA position 456, A replaced by C.
Protein change: p.Ser152=; no amino-acid change (serine 152 retained).
Molecular consequence: synonymous variant.
Genome position (GRCh38, 1-based): chr7:152,649,029, T>G on the plus strand (A>C on the coding strand, the complement: XRCC2 is on the minus strand). VCF-style: chr7-152649029-T-G. GRCh37 (hg19) VCF-style: chr7-152346114-T-G.
Identifiers: ClinVar variation 383419 (VCV000383419.16), dbSNP rs758944840, ClinGen allele CA16605768.
Genomic context (GRCh38, chr7:152,649,029, plus strand): 5'-AGTAGACTCCTGTAAGTTCACACTTTCTCCTCCATTGACGCGGTCTATCCAGTAAAAAGC[T>G]GACAGGCTATCCAAAATCAAAAGGCAGAGAGATGGGTGACTACAAAACATACTTTCTAGT-3'
Protein context (NP_005422.1, residues 142-162): SLCLLILDSL[Ser152=]AFYWIDRVNG